The following is an entry in ClinVar:

ClinVar aggregate classification (germline): Conflicting classifications of pathogenicity. Review status: criteria provided, conflicting classifications (1 of 4 stars). 5 submissions from 5 submitters: Uncertain significance (3); Likely benign (1). 1 of the submissions does not count toward it. Last evaluated 2026-02-01.

Conditions:
ADAMTSL2-related disorder. Also called: ADAMTSL2-related condition.
Inborn genetic diseases. Identifiers: MedGen C0950123, MeSH D030342.
Geleophysic dysplasia 1 (GPHYSD1). Also called: Geleophysic dwarfism. Identifiers: Orphanet 2623, MedGen C3278147, MONDO:0009269, OMIM 231050.

Allele frequency attached by ClinVar (database versions not stated): TOPMed 0.00058; gnomAD 0.00069 and 0.00073; 1000 Genomes Project 30x 0.00078; gnomAD exomes 0.00112.
gnomAD v4.1: 1,711 of 1,609,106 alleles (0.11%); highest among the groups gnomAD compares: Non-Finnish European, 0.14%; 1 homozygote.

Submissions (5):

CeGaT Center for Human Genetics Tuebingen
Classification: Likely benign. Last evaluated: 2026-02-01. Review status: criteria provided, single submitter. Criteria: CeGaT Center For Human Genetics Tuebingen Variant Classification Criteria Version 2. Collection method: clinical testing. Allele origin: germline. Affected: yes. Observed: 1 variant allele.
Comment: ADAMTSL2: BP4

Fulgent Genetics
Classification: Uncertain significance for Geleophysic dysplasia 1. Last evaluated: 2021-12-02. Review status: criteria provided, single submitter. Criteria: ACMG Guidelines, 2015. Collection method: clinical testing. Allele origin: unknown.

Ambry Genetics
Classification: Uncertain significance for Inborn genetic diseases. Last evaluated: 2021-09-01. Review status: criteria provided, single submitter. Criteria: Ambry Variant Classification Scheme 2023. Collection method: clinical testing. Allele origin: germline.

Illumina Laboratory Services, Illumina
Classification: Uncertain significance for Geleophysic dysplasia 1. Last evaluated: 2018-01-13. Review status: criteria provided, single submitter. Criteria: ICSL Variant Classification Criteria 13 December 2019. Collection method: clinical testing. Allele origin: germline.

PreventionGenetics, part of Exact Sciences
Classification: Uncertain significance for ADAMTSL2-related condition. Last evaluated: 2024-02-15. Review status: no assertion criteria provided. Collection method: clinical testing. Allele origin: germline. Not counted in ClinVar's aggregate classification.
Comment: The ADAMTSL2 c.2036C>G variant is predicted to result in the amino acid substitution p.Thr679Ser. To our knowledge, this variant has not been reported in the literature or in a large population database, indicating this variant is rare. At this time, the clinical significance of this variant is uncertain due to the absence of conclusive functional and genetic evidence.

NM_014694.4(ADAMTSL2):c.2036C>G (p.Thr679Ser)

Gene: ADAMTSL2 (ADAMTS like 2; plus strand). Cytogenetic location: 9q34.2.
Variant type: single nucleotide variant.
Coding change: c.2036C>G on transcript NM_014694.4 (MANE Select); coding-DNA position 2036, C replaced by G.
Protein change: p.Thr679Ser; replaces threonine 679 with serine.
Molecular consequence: missense variant.
Genome position (GRCh38, 1-based): chr9:133,568,434, C>G. VCF-style: chr9-133568434-C-G. GRCh37 (hg19) VCF-style: chr9-136433556-C-G.
Other names: c.2036C>G, p.Thr679Ser (NM_001145320.2); short protein forms T679S.
Identifiers: ClinVar variation 912944 (VCV000912944.13), dbSNP rs948210454, ClinGen allele CA200936582.